The following is an entry in ClinVar:

NM_002528.7(NTHL1):c.525+3G>A

Gene: NTHL1 (nth like DNA glycosylase 1; minus strand). Cytogenetic location: 16p13.3.
Variant type: single nucleotide variant.
Coding change: c.525+3G>A on transcript NM_002528.7 (MANE Select); 3 bases into the intron after coding-DNA position 525, G replaced by A.
Molecular consequence: intron variant.
Genome position (GRCh38, 1-based): chr16:2,044,627, C>T on the plus strand (G>A on the coding strand, the complement: NTHL1 is on the minus strand). VCF-style: chr16-2044627-C-T. GRCh37 (hg19) VCF-style: chr16-2094628-C-T.
Other names: c.195+3G>A (NM_001318194.2); c.355-901G>A (NM_001318193.2).
Identifiers: ClinVar variation 3148439 (VCV003148439.1), dbSNP rs2084315929, ClinGen allele CA2825002408.

ClinVar aggregate classification (germline): Likely benign (1 of 4 stars; one submission).

Conditions:
Familial adenomatous polyposis 3. Also called: NTHL1-associated polyposis; NTHL1-Related Adenomatous Polyposis and Colorectal Cancer; NTHL1-related attenuated familial adenomatous polyposis; NTHL1 Tumor Syndrome. Identifiers: Orphanet 220460, Orphanet 454840, MedGen C4225157, MONDO:0014630, OMIM 616415.

Submission:

Myriad Genetics, Inc.
Classification: Likely benign for Familial adenomatous polyposis 3. Last evaluated: 2023-12-19. Review status: criteria provided, single submitter. Criteria: Myriad Autosomal Dominant, Autosomal Recessive and X-Linked Classification Criteria (2023). Collection method: clinical testing. Allele origin: unknown.
Comment: This variant is considered likely benign. This variant is intronic and is not expected to impact mRNA splicing.